The following is an entry in ClinVar:

NM_000944.5(PPP3CA):c.676C>T (p.Pro226Ser)

Gene: PPP3CA (protein phosphatase 3 catalytic subunit alpha; minus strand). Cytogenetic location: 4q24.
Variant type: single nucleotide variant.
Coding change: c.676C>T on transcript NM_000944.5 (MANE Select); coding-DNA position 676, C replaced by T.
Protein change: p.Pro226Ser; replaces proline 226 with serine.
Molecular consequence: missense variant.
Genome position (GRCh38, 1-based): chr4:101,093,882, G>A on the plus strand (C>T on the coding strand, the complement: PPP3CA is on the minus strand). VCF-style: chr4-101093882-G-A. GRCh37 (hg19) VCF-style: chr4-102015039-G-A.
Other names: c.676C>T, p.Pro226Ser (NM_001130691.2, NM_001130692.2); short protein forms P226S.
Identifiers: ClinVar variation 2087393 (VCV002087393.4), dbSNP rs2475915885, ClinGen allele CA357949321.

ClinVar aggregate classification (germline): Uncertain significance (1 of 4 stars; one submission).

Submission:

Labcorp Genetics (formerly Invitae), Labcorp
Classification: Uncertain significance. Last evaluated: 2022-03-09. Review status: criteria provided, single submitter. Criteria: Invitae Variant Classification Sherloc (09022015). Collection method: clinical testing. Allele origin: germline.
Comment: In summary, the available evidence is currently insufficient to determine the role of this variant in disease. Therefore, it has been classified as a Variant of Uncertain Significance. Algorithms developed to predict the effect of missense changes on protein structure and function are either unavailable or do not agree on the potential impact of this missense change (SIFT: "Tolerated"; PolyPhen-2: "Probably Damaging"; Align-GVGD: "Class C0"). This variant has not been reported in the literature in individuals affected with PPP3CA-related conditions. This variant is not present in population databases (gnomAD no frequency). This sequence change replaces proline, which is neutral and non-polar, with serine, which is neutral and polar, at codon 226 of the PPP3CA protein (p.Pro226Ser).